The following is an entry in ClinVar:

NM_000268.4(NF2):c.1330T>G (p.Ser444Ala)

Gene: NF2 (NF2, moesin-ezrin-radixin like (MERLIN) tumor suppressor; plus strand). Cytogenetic location: 22q12.2.
Variant type: single nucleotide variant.
Coding change: c.1330T>G on transcript NM_000268.4 (MANE Select); coding-DNA position 1330, T replaced by G.
Protein change: p.Ser444Ala; replaces serine 444 with alanine.
Molecular consequence: missense variant. On other transcripts: intron variant (1).
Genome position (GRCh38, 1-based): chr22:29,673,476, T>G. VCF-style: chr22-29673476-T-G. GRCh37 (hg19) VCF-style: chr22-30069465-T-G.
Other names: c.1216T>G, p.Ser406Ala (NM_001407053.1, NM_001407056.1); c.1207T>G, p.Ser403Ala (NM_001407054.1, NM_001407058.1, NM_181829.3); c.1204T>G, p.Ser402Ala (NM_001407055.1, NM_181828.3); c.1195T>G, p.Ser399Ala (NM_001407057.1, NM_001407059.1); c.1330T>G, p.Ser444Ala (NM_001407060.1, NM_001407066.1, NM_016418.5 and 2 more transcripts); c.1072T>G, p.Ser358Ala (NM_001407062.1); c.1081T>G, p.Ser361Ala (NM_001407063.1, NM_001407064.1, NM_181830.3 and 1 more transcripts); c.796T>G, p.Ser266Ala (NM_001407065.1); and 2 more; short protein forms S266A, S358A, S361A, S367A, S399A, S402A, S403A, S406A.
Identifiers: ClinVar variation 4756666 (VCV004756666.1).

ClinVar aggregate classification (germline): Uncertain significance (1 of 4 stars; one submission).

Conditions:
Neurofibromatosis, type 2 (SWNV). Also called: BILATERAL ACOUSTIC NEUROFIBROMATOSIS; NF2-Related Schwannomatosis; SCHWANNOMATOSIS, VESTIBULAR. Identifiers: Orphanet 637, MedGen C0027832, MONDO:0007039, OMIM 101000. Disease mechanism: loss of function.

gnomAD v4.1: 1 of 1,608,004 alleles (0.000062%); highest among the groups gnomAD compares: Non-Finnish European, 0.000085%; no homozygotes.

Submission:

Color Diagnostics, LLC DBA Color Health
Classification: Uncertain significance for Neurofibromatosis, type 2. Last evaluated: 2025-05-12. Review status: criteria provided, single submitter. Criteria: ACMG Guidelines, 2015. Collection method: clinical testing. Allele origin: germline.
Comment: This missense variant replaces serine with alanine at codon 444 of the NF2 protein. Computational prediction suggests that this variant may not impact protein structure and function. To our knowledge, functional studies have not been reported for this variant. This variant has not been reported in individuals affected with NF2-related disorders in the literature. This variant has not been identified in the general population by the Genome Aggregation Database (gnomAD). The available evidence is insufficient to determine the role of this variant in disease conclusively. Therefore, this variant is classified as a Variant of Uncertain Significance.